The following is an entry in ClinVar:

ClinVar aggregate classification (germline): Conflicting classifications of pathogenicity. Review status: criteria provided, conflicting classifications (1 of 4 stars). 3 submissions from 3 submitters: Uncertain significance (1); Likely benign (1). 1 of the submissions does not count toward it. Last evaluated 2023-03-23.

Conditions:
Familial cancer of breast. Also called: BREAST CANCER, FAMILIAL; Hereditary breast cancer; hereditary breast carcinoma. Identifiers: Orphanet 227535, MedGen C0346153, MONDO:0016419, OMIM 114480. Disease mechanism: loss of function.
Hereditary cancer-predisposing syndrome. Also called: Neoplastic Syndromes, Hereditary; Tumor predisposition; Hereditary Cancer Syndrome; Hereditary neoplastic syndrome. Identifiers: Orphanet 140162, MedGen C0027672, MeSH D009386, MONDO:0015356.

Submissions (3):

University of Washington Department of Laboratory Medicine, University of Washington
Classification: Likely benign for Hereditary cancer-predisposing syndrome. Last evaluated: 2023-03-23. Review status: criteria provided, single submitter. Criteria: Dines et al. (Genet Med. 2020). Collection method: curation. Allele origin: germline.
Comment: Missense variant in a coldspot region where missense variants are very unlikely to be pathogenic (PMID:31911673).

BRCA1 coldspot (exon 11 using historical exon numbering). Reclassification based on statistical prior probability

Ambry Genetics
Classification: Uncertain significance for Hereditary cancer-predisposing syndrome. Last evaluated: 2020-04-29. Review status: criteria provided, single submitter. Criteria: Ambry Variant Classification Scheme 2023. Collection method: clinical testing. Allele origin: germline.
Comment: The p.Q867R variant (also known as c.2600A>G), located in coding exon 9 of the BRCA1 gene, results from an A to G substitution at nucleotide position 2600. The glutamine at codon 867 is replaced by arginine, an amino acid with highly similar properties. This alteration was identified in a cohort of over 30,000 Chinese individuals with breast and/or ovarian cancer (Bhaskaran SP et al. Int. J. Cancer, 2019 08;145:962-973). This amino acid position is not well conserved in available vertebrate species. In addition, the in silico prediction for this alteration is inconclusive. Since supporting evidence is limited at this time, the clinical significance of this alteration remains unclear.

ClinVar Staff, National Center for Biotechnology Information (NCBI)
No classification provided. Condition: Familial cancer of breast. Review status: no classification provided. Collection method: literature only. Allele origin: germline. Affected: yes. Not counted in ClinVar's aggregate classification.

Literature cited by the submitters: PubMed 12947551 (cited by Ambry Genetics and ClinVar Staff, National Center for Biotechnology Information (NCBI)); PubMed 30702160 (cited by Ambry Genetics); PubMed 31825140 (cited by Ambry Genetics).

NM_007294.4(BRCA1):c.2600A>G (p.Gln867Arg)

Gene: BRCA1 (BRCA1 DNA repair associated; minus strand). Cytogenetic location: 17q21.31.
Variant type: single nucleotide variant.
Coding change: c.2600A>G on transcript NM_007294.4 (MANE Select); coding-DNA position 2600, A replaced by G.
Protein change: p.Gln867Arg; replaces glutamine 867 with arginine.
Molecular consequence: missense variant. On other transcripts: intron variant (137).
Genome position (GRCh38, 1-based): chr17:43,092,931, T>C on the plus strand (A>G on the coding strand, the complement: BRCA1 is on the minus strand). VCF-style: chr17-43092931-T-C. GRCh37 (hg19) VCF-style: chr17-41244948-T-C.
Other names: c.2387A>G, p.Gln796Arg (NM_001407571.1, NM_001407853.1, NM_001407894.1 and 9 more transcripts); c.2600A>G, p.Gln867Arg (NM_001407581.1, NM_001407582.1, NM_001407583.1 and 30 more transcripts); c.2597A>G, p.Gln866Arg (NM_001407587.1, NM_001407590.1, NM_001407591.1 and 22 more transcripts); c.2591A>G, p.Gln864Arg (NM_001407646.1, NM_001407647.1); c.2477A>G, p.Gln826Arg (NM_001407648.1, NM_001407664.1, NM_001407665.1 and 19 more transcripts); c.2474A>G, p.Gln825Arg (NM_001407649.1, NM_001407670.1, NM_001407671.1 and 11 more transcripts); c.2522A>G, p.Gln841Arg (NM_001407653.1, NM_001407654.1, NM_001407655.1 and 4 more transcripts); c.2519A>G, p.Gln840Arg (NM_001407659.1, NM_001407660.1, NM_001407661.1 and 1 more transcripts); and 41 more; short protein forms Q867R, Q820R, Q571R, Q779R, Q864R, Q778R, Q840R, Q841R.
Identifiers: ClinVar variation 54615 (VCV000054615.6), dbSNP rs397508985, ClinGen allele CA001711.